The following is an entry in ClinVar:

ClinVar aggregate classification (germline): Uncertain significance (1 of 4 stars; one submission).

Submission:

Labcorp Genetics (formerly Invitae), Labcorp
Classification: Uncertain significance. Last evaluated: 2021-01-09. Review status: criteria provided, single submitter. Criteria: Invitae Variant Classification Sherloc (09022015). Collection method: clinical testing. Allele origin: germline.
Comment: This variant has not been reported in the literature in individuals with NEXMIF-related conditions. This sequence change replaces asparagine with serine at codon 1433 of the NEXMIF protein (p.Asn1433Ser). The asparagine residue is highly conserved and there is a small physicochemical difference between asparagine and serine. This variant is not present in population databases (ExAC no frequency). Algorithms developed to predict the effect of missense changes on protein structure and function are either unavailable or do not agree on the potential impact of this missense change (SIFT: "Deleterious"; PolyPhen-2: "Benign"; Align-GVGD: "Class C45"). In summary, the available evidence is currently insufficient to determine the role of this variant in disease. Therefore, it has been classified as a Variant of Uncertain Significance.

NM_001008537.3(NEXMIF):c.4298A>G (p.Asn1433Ser)

Gene: NEXMIF (neurite extension and migration factor; minus strand). Cytogenetic location: Xq13.3.
Variant type: single nucleotide variant.
Coding change: c.4298A>G on transcript NM_001008537.3 (MANE Select); coding-DNA position 4298, A replaced by G.
Protein change: p.Asn1433Ser; replaces asparagine 1433 with serine.
Molecular consequence: missense variant.
Genome position (GRCh38, 1-based): chrX:74,740,259, T>C on the plus strand (A>G on the coding strand, the complement: NEXMIF is on the minus strand). VCF-style: chrX-74740259-T-C. GRCh37 (hg19) VCF-style: chrX-73960094-T-C.
Other names: short protein forms N1433S.
Identifiers: ClinVar variation 1021622 (VCV001021622.8), dbSNP rs2080097585, ClinGen allele CA413663592.